The following is an entry in ClinVar:

NM_006379.5(SEMA3C):c.513C>T (p.Asn171=)

Gene: SEMA3C (semaphorin 3C; minus strand). Cytogenetic location: 7q21.11.
Variant type: single nucleotide variant.
Coding change: c.513C>T on transcript NM_006379.5 (MANE Select); coding-DNA position 513, C replaced by T.
Protein change: p.Asn171=; no amino-acid change (asparagine 171 retained).
Molecular consequence: synonymous variant.
Genome position (GRCh38, 1-based): chr7:80,810,636, G>A on the plus strand (C>T on the coding strand, the complement: SEMA3C is on the minus strand). VCF-style: chr7-80810636-G-A. GRCh37 (hg19) VCF-style: chr7-80439952-G-A.
Other names: c.567C>T, p.Asn189= (NM_001350120.2); c.339C>T, p.Asn113= (NM_001350121.2).
Identifiers: ClinVar variation 4990113 (VCV004990113.1).

ClinVar aggregate classification (germline): Likely benign (1 of 4 stars; one submission).

Conditions:
SEMA3C-related disorder. Also called: SEMA3C-related condition.

gnomAD v4.1: 22 of 1,613,550 alleles (0.0014%); highest among the groups gnomAD compares: Admixed American, 0.015%; no homozygotes.

Submission:

PreventionGenetics, part of Exact Sciences
Classification: Likely benign for SEMA3C-related condition. Last evaluated: 2026-04-20. Review status: criteria provided, single submitter. Criteria: ACMG Guidelines, 2015. Collection method: clinical testing. Allele origin: germline.
Comment: This variant is classified as likely benign based on ACMG/AMP sequence variant interpretation guidelines (Richards et al. 2015 PMID: 25741868, with internal and published modifications).